The following is an entry in ClinVar:

NM_006904.7(PRKDC):c.1913A>T (p.Gln638Leu)

Gene: PRKDC (protein kinase, DNA-activated, catalytic subunit; minus strand). Cytogenetic location: 8q11.21.
Variant type: single nucleotide variant.
Coding change: c.1913A>T on transcript NM_006904.7 (MANE Select); coding-DNA position 1913, A replaced by T.
Protein change: p.Gln638Leu; replaces glutamine 638 with leucine.
Molecular consequence: missense variant.
Genome position (GRCh38, 1-based): chr8:47,929,992, T>A on the plus strand (A>T on the coding strand, the complement: PRKDC is on the minus strand). VCF-style: chr8-47929992-T-A. GRCh37 (hg19) VCF-style: chr8-48842552-T-A.
Other names: c.1913A>T, p.Gln638Leu (NM_001081640.2); short protein forms Q638L.
Identifiers: ClinVar variation 1782529 (VCV001782529.2), dbSNP rs2551878642, ClinGen allele CA371164422.

ClinVar aggregate classification (germline): Uncertain significance (1 of 4 stars; one submission).

Submission:

Ambry Genetics
Classification: Uncertain significance. Last evaluated: 2021-07-04. Review status: criteria provided, single submitter. Criteria: Ambry Variant Classification Scheme 2023. Collection method: clinical testing. Allele origin: germline.
Comment: The p.Q638L variant (also known as c.1913A>T), located in coding exon 18 of the PRKDC gene, results from an A to T substitution at nucleotide position 1913. The glutamine at codon 638 is replaced by leucine, an amino acid with dissimilar properties. This amino acid position is conserved. In addition, this alteration is predicted to be tolerated by in silico analysis. Since supporting evidence is limited at this time, the clinical significance of this alteration remains unclear.